The following is an entry in ClinVar:

NM_207111.4(RNF216):c.1644+6A>C

Gene: RNF216 (ring finger protein 216; minus strand). Cytogenetic location: 7p22.1.
Variant type: single nucleotide variant.
Coding change: c.1644+6A>C on transcript NM_207111.4 (MANE Select); 6 bases into the intron after coding-DNA position 1644, A replaced by C.
Molecular consequence: intron variant.
Genome position (GRCh38, 1-based): chr7:5,721,027, T>G on the plus strand (A>C on the coding strand, the complement: RNF216 is on the minus strand). VCF-style: chr7-5721027-T-G. GRCh37 (hg19) VCF-style: chr7-5760658-T-G.
Other names: c.1473+6A>C (NM_207116.3, NM_001377156.1).
Identifiers: ClinVar variation 1676057 (VCV001676057.33), dbSNP rs1037171224, ClinGen allele CA153233770.

ClinVar aggregate classification (germline): Uncertain significance (1 of 4 stars; one submission).

Allele frequency attached by ClinVar (database versions not stated): gnomAD exomes 0.00001 and 0.00008; TOPMed 0.00003; gnomAD 0.00004.
gnomAD v4.1: 124 of 1,614,008 alleles (0.0077%); highest among the groups gnomAD compares: Non-Finnish European, 0.0099%; no homozygotes.

Submission:

CeGaT Center for Human Genetics Tuebingen
Classification: Uncertain significance. Last evaluated: 2024-02-01. Review status: criteria provided, single submitter. Criteria: CeGaT Center For Human Genetics Tuebingen Variant Classification Criteria Version 2. Collection method: clinical testing. Allele origin: germline. Affected: yes. Observed: 3 variant alleles.
Comment: RNF216: PM2, BP4